The following is an entry in ClinVar:

NM_000051.4(ATM):c.7299del (p.Thr2434fs)

Genes: ATM (ATM serine/threonine kinase; plus strand), C11orf65 (chromosome 11 open reading frame 65; minus strand). Cytogenetic location: 11q22.3.
Variant type: Deletion.
Coding change: c.7299del on transcript NM_000051.4 (MANE Select); coding-DNA position 7299, one base deleted (G; older notation c.7299delG).
Protein change: p.Thr2434fs; shifts the reading frame from threonine 2434.
Molecular consequence: frameshift variant. On other transcripts: intron variant (2).
Genome position (GRCh38, 1-based): chr11:108,329,230, G deleted. VCF-style (leftmost placement, unchanged base first): chr11-108329229-AG-A. GRCh37 (hg19) VCF-style: chr11-108199956-AG-A.
Other names: c.7299del, p.Thr2434fs (NM_001351834.2); c.641-20159del (NM_001330368.2); c.*38+5990del (NM_001351110.2); short protein forms T2434fs.
Identifiers: ClinVar variation 3148478 (VCV003148478.3), dbSNP rs2547251127, ClinGen allele CA2825001950.

ClinVar aggregate classification (germline): Pathogenic. Review status: criteria provided, multiple submitters, no conflicts (2 of 4 stars). 3 submissions from 3 submitters: Pathogenic (3). Last evaluated 2024-07-19.

Conditions:
Ataxia-telangiectasia syndrome (AT). Also called: AT, COMPLEMENTATION GROUP C; Ataxia-telangiectasia, complementation group D; ATAXIA-TELANGIECTASIA, COMPLEMENTATION GROUP A; ATAXIA-TELANGIECTASIA, FRESNO VARIANT; Ataxia-telangiectasia; Ataxia-telangiectasia, complementation group E. Identifiers: Orphanet 100, MedGen C0004135, MONDO:0008840, OMIM 208900.
Familial cancer of breast. Also called: hereditary breast carcinoma; BREAST CANCER, FAMILIAL; Hereditary breast cancer. Identifiers: Orphanet 227535, MedGen C0346153, MONDO:0016419, OMIM 114480. Disease mechanism: loss of function.
Hereditary cancer-predisposing syndrome. Also called: Tumor predisposition; Hereditary Cancer Syndrome; Hereditary neoplastic syndrome; Neoplastic Syndromes, Hereditary. Identifiers: Orphanet 140162, MedGen C0027672, MeSH D009386, MONDO:0015356.

Submissions (3):

Labcorp Genetics (formerly Invitae), Labcorp
Classification: Pathogenic for Ataxia-telangiectasia syndrome. Last evaluated: 2024-07-19. Review status: criteria provided, single submitter. Criteria: Invitae Variant Classification Sherloc (09022015). Collection method: clinical testing. Allele origin: germline.
Comment: This sequence change creates a premature translational stop signal (p.Thr2434Glnfs*6) in the ATM gene. It is expected to result in an absent or disrupted protein product. Loss-of-function variants in ATM are known to be pathogenic (PMID: 23807571, 25614872). This variant is not present in population databases (gnomAD no frequency). This variant has not been reported in the literature in individuals affected with ATM-related conditions. For these reasons, this variant has been classified as Pathogenic.

Myriad Genetics, Inc.
Classification: Pathogenic for Familial cancer of breast. Last evaluated: 2024-01-31. Review status: criteria provided, single submitter. Criteria: Myriad Autosomal Dominant, Autosomal Recessive and X-Linked Classification Criteria (2023). Collection method: clinical testing. Allele origin: unknown.
Comment: This variant is considered pathogenic. This variant creates a frameshift predicted to result in premature protein truncation.

Color Diagnostics, LLC DBA Color Health
Classification: Pathogenic for Hereditary cancer-predisposing syndrome. Last evaluated: 2024-01-04. Review status: criteria provided, single submitter. Criteria: ACMG Guidelines, 2015. Collection method: clinical testing. Allele origin: germline.
Comment: This variant deletes 1 nucleotide in exon 49/63 of the ATM gene, creating a frameshift and premature translation stop signal. This variant is expected to result in an absent or non-functional protein product. To our knowledge, this variant has not been reported in individuals affected with ATM-related disorders in the literature. This variant has not been identified in the general population by the Genome Aggregation Database (gnomAD). Loss of ATM function is a known mechanism of disease. Based on the available evidence, this variant is classified as Pathogenic.

Literature cited by the submitters: PubMed 23807571 (cited by Labcorp Genetics (formerly Invitae), Labcorp); PubMed 25614872 (cited by Labcorp Genetics (formerly Invitae), Labcorp).